The following is an entry in ClinVar:

ClinVar aggregate classification (germline): Uncertain significance (0 of 4 stars; one submission).

Conditions:
Polycystic kidney disease. Also called: Polycystic kidney dysplasia; Kidney, Polycystic. Identifiers: MedGen C0022680, MeSH D007690, MONDO:0020642, HP:0000113.

Allele frequency attached by ClinVar (database versions not stated): gnomAD exomes below 0.00001; gnomAD 0.00001.
gnomAD v4.1: 5 of 1,580,598 alleles (0.00032%); highest among the groups gnomAD compares: African/African-American, 0.0013%; no homozygotes.

Submission:

Department of Pathology and Laboratory Medicine, Sinai Health System
Classification: Uncertain significance for Polycystic Kidney disease. Review status: no assertion criteria provided. Collection method: clinical testing. Allele origin: unknown. Affected: yes. Study: The Canadian Open Genetics Repository (COGR).
Comment: The PKD1 p.Val3576Met variant was not identified in the literature nor was it identified in the following databases: dbSNP, ClinVar, LOVD 3.0, ADPKD Mutation Database, or PKD1-LOVD. The variant was identified in 1 of 30904 chromosomes at a frequency of 0.00003 (Genome Aggregation Database Feb 27, 2017). The variant was observed in the African population in 1 of 8708 chromosomes (freq: 0.0001), but not in the European, South Asian, Latino, Ashkenazi Jewish, Other, East Asian, or Finnish populations. The p.Val3576 residue is not conserved in mammals and four out of five computational analyses (PolyPhen-2, SIFT, AlignGVGD, BLOSUM, MutationTaster) do not suggest a high likelihood of impact to the protein; however, this information is not predictive enough to rule out pathogenicity. The variant occurs outside of the splicing consensus sequence although 3 of 4 in silico or computational prediction software programs (SpliceSiteFinder, MaxEntScan, NNSPLICE, GeneSplicer) predict a greater than 10% difference in splicing. However, this information is not predictive enough to assume pathogenicity. In summary, based on the above information, the clinical significance of this variant cannot be determined with certainty at this time. This variant is classified as a variant of uncertain significance.

NM_001009944.3(PKD1):c.10726G>A (p.Val3576Met)

Genes: PKD1 (polycystin 1, transient receptor potential channel interacting; minus strand), PKD1-AS1 (PKD1 antisense RNA 1; plus strand). Cytogenetic location: 16p13.3.
Variant type: single nucleotide variant.
Coding change: c.10726G>A on transcript NM_001009944.3 (MANE Select); coding-DNA position 10726, G replaced by A.
Protein change: p.Val3576Met; replaces valine 3576 with methionine.
Molecular consequence: missense variant.
Genome position (GRCh38, 1-based): chr16:2,093,906, C>T on the plus strand (G>A on the coding strand, the complement: PKD1 is on the minus strand). VCF-style: chr16-2093906-C-T. GRCh37 (hg19) VCF-style: chr16-2143907-C-T.
Other names: c.10723G>A, p.Val3575Met (NM_000296.4); short protein forms V3575M, V3576M.
Identifiers: ClinVar variation 997332 (VCV000997332.1), dbSNP rs1483830437, ClinGen allele CA394340456.